The following is an entry in ClinVar:

NM_014028.4(OSTM1):c.*2755A>G

Gene: OSTM1 (osteoclastogenesis associated transmembrane protein 1; minus strand). Cytogenetic location: 6q21.
Variant type: single nucleotide variant.
Coding change: c.*2755A>G on transcript NM_014028.4 (MANE Select); 2755 bases downstream of the stop codon, A replaced by G.
Molecular consequence: 3 prime UTR variant.
Genome position (GRCh38, 1-based): chr6:108,042,030, T>C on the plus strand (A>G on the coding strand, the complement: OSTM1 is on the minus strand). VCF-style: chr6-108042030-T-C. GRCh37 (hg19) VCF-style: chr6-108363234-T-C.
Identifiers: ClinVar variation 354933 (VCV000354933.5), dbSNP rs6921341, ClinGen allele CA10625645.

ClinVar aggregate classification (germline): Benign (1 of 4 stars; one submission).

Conditions:
Autosomal recessive osteopetrosis 5. Identifiers: Orphanet 85179, MedGen C1968603, MONDO:0009817, OMIM 259720.

Allele frequency attached by ClinVar (database versions not stated): 1000 Genomes Project 0.06490; 1000 Genomes Project 30x 0.06652; gnomAD 0.06881 and 0.07269; TOPMed 0.07417.

Submission:

Illumina Laboratory Services, Illumina
Classification: Benign for Autosomal recessive osteopetrosis 5. Last evaluated: 2018-01-13. Review status: criteria provided, single submitter. Criteria: ICSL Variant Classification Criteria 13 December 2019. Collection method: clinical testing. Allele origin: germline.
Comment: This variant was observed in the ICSL laboratory as part of a predisposition screen in an ostensibly healthy population. It had not been previously curated by ICSL or reported in the Human Gene Mutation Database (HGMD: prior to June 1st, 2018), and was therefore a candidate for classification through an automated scoring system. Utilizing variant allele frequency, disease prevalence and penetrance estimates, and inheritance mode, an automated score was calculated to assess if this variant is too frequent to cause the disease. Based on the score and internal cut-off values, a variant classified as benign is not then subjected to further curation. The score for this variant resulted in a classification of benign for this disease.